The following is an entry in ClinVar:

ClinVar aggregate classification (germline): Uncertain significance. Review status: criteria provided, multiple submitters, no conflicts (2 of 4 stars). 2 submissions from 2 submitters: Uncertain significance (2). Last evaluated 2025-05-25.

Conditions:
Hereditary cancer-predisposing syndrome. Also called: Hereditary neoplastic syndrome; Tumor predisposition; Neoplastic Syndromes, Hereditary; Hereditary Cancer Syndrome. Identifiers: Orphanet 140162, MedGen C0027672, MeSH D009386, MONDO:0015356.

Submissions (2):

Ambry Genetics
Classification: Uncertain significance for Hereditary cancer-predisposing syndrome. Last evaluated: 2025-05-25. Review status: criteria provided, single submitter. Criteria: Ambry Variant Classification Scheme 2023. Collection method: clinical testing. Allele origin: germline.

Labcorp Genetics (formerly Invitae), Labcorp
Classification: Uncertain significance for Hereditary cancer-predisposing syndrome. Last evaluated: 2024-02-12. Review status: criteria provided, single submitter. Criteria: Invitae Variant Classification Sherloc (09022015). Collection method: clinical testing. Allele origin: germline.
Comment: This sequence change replaces valine, which is neutral and non-polar, with glycine, which is neutral and non-polar, at codon 460 of the RAD50 protein (p.Val460Gly). This variant is not present in population databases (gnomAD no frequency). This variant has not been reported in the literature in individuals affected with RAD50-related conditions. ClinVar contains an entry for this variant (Variation ID: 954115). Advanced modeling of protein sequence and biophysical properties (such as structural, functional, and spatial information, amino acid conservation, physicochemical variation, residue mobility, and thermodynamic stability) performed at Invitae indicates that this missense variant is expected to disrupt RAD50 protein function with a positive predictive value of 80%. In summary, the available evidence is currently insufficient to determine the role of this variant in disease. Therefore, it has been classified as a Variant of Uncertain Significance.

NM_005732.4(RAD50):c.1379T>G (p.Val460Gly)

Gene: RAD50 (RAD50 double strand break repair protein; plus strand). Cytogenetic location: 5q31.1.
Variant type: single nucleotide variant.
Coding change: c.1379T>G on transcript NM_005732.4 (MANE Select); coding-DNA position 1379, T replaced by G.
Protein change: p.Val460Gly; replaces valine 460 with glycine.
Molecular consequence: missense variant.
Genome position (GRCh38, 1-based): chr5:132,589,764, T>G. VCF-style: chr5-132589764-T-G. GRCh37 (hg19) VCF-style: chr5-131925456-T-G.
Other names: short protein forms V460G.
Identifiers: ClinVar variation 954115 (VCV000954115.12), dbSNP rs1750665070, ClinGen allele CA360944453.